The following is an entry in ClinVar:

NM_000061.3(BTK):c.1688G>A (p.Trp563Ter)

Gene: BTK (Bruton tyrosine kinase; minus strand). Cytogenetic location: Xq22.1.
Variant type: single nucleotide variant.
Coding change: c.1688G>A on transcript NM_000061.3 (MANE Select); coding-DNA position 1688, G replaced by A.
Protein change: p.Trp563Ter; replaces tryptophan 563 with a stop codon.
Molecular consequence: nonsense.
Genome position (GRCh38, 1-based): chrX:101,353,932, C>T on the plus strand (G>A on the coding strand, the complement: BTK is on the minus strand). VCF-style: chrX-101353932-C-T. GRCh37 (hg19) VCF-style: chrX-100608920-C-T.
Other names: c.1790G>A, p.Trp597Ter (NM_001287344.2); c.1160G>A, p.Trp387Ter (NM_001287345.2); short protein forms W563*, W387*, W597*.
Identifiers: ClinVar variation 579604 (VCV000579604.9), dbSNP rs1555977474, ClinGen allele CA413920557.
Genomic context (GRCh38, chrX:101,353,932, plus strand): 5'-AAAGCCCAAATGTCAGATTTGCTGCTGAACTTGCTATACATCAGGACTTCCGGTGGGGAC[C>T]ACCGGACTGGAAATTTGGAGCCTACTGAGCTTGTGTATTCATCATCCAGGACATACCTGC-3'

ClinVar aggregate classification (germline): Pathogenic (1 of 4 stars; one submission).

Conditions:
X-linked agammaglobulinemia with growth hormone deficiency (IGHD3). Also called: AGAMMAGLOBULINEMIA AND ISOLATED GROWTH HORMONE DEFICIENCY, X-LINKED; FLEISHER SYNDROME; HYPOGAMMAGLOBULINEMIA AND ISOLATED GROWTH HORMONE DEFICIENCY, X-LINKED; IGHD III; Growth hormone deficiency with hypogammaglobulinemia; Isolated growth hormone deficiency type 3. Identifiers: Orphanet 231692, Orphanet 631, MedGen C0472813, MONDO:0010615, OMIM 307200.

Allele frequency attached by ClinVar (database versions not stated): gnomAD exomes below 0.00001.
gnomAD v4.1: 1 of 1,211,721 alleles (0.000083%); highest among the groups gnomAD compares: South Asian, 0.0018%; no homozygotes.

Submission:

Labcorp Genetics (formerly Invitae), Labcorp
Classification: Pathogenic for X-linked agammaglobulinemia with growth hormone deficiency. Last evaluated: 2022-02-22. Review status: criteria provided, single submitter. Criteria: Invitae Variant Classification Sherloc (09022015). Collection method: clinical testing. Allele origin: germline.
Comment: This variant is not present in population databases (gnomAD no frequency). For these reasons, this variant has been classified as Pathogenic. ClinVar contains an entry for this variant (Variation ID: 579604). This premature translational stop signal has been observed in individual(s) with X-linked agammaglobulinemia (XLA) (PMID: 9445504). This sequence change creates a premature translational stop signal (p.Trp563*) in the BTK gene. It is expected to result in an absent or disrupted protein product. Loss-of-function variants in BTK are known to be pathogenic (PMID: 15661032, 16862044, 19419768).

Literature cited by the submitters: PubMed 9445504; PubMed 15661032; PubMed 16862044; PubMed 19419768.